The following is an entry in ClinVar:

NM_021922.3(FANCE):c.413A>G (p.Glu138Gly)

Gene: FANCE (FA complementation group E; plus strand). Cytogenetic location: 6p21.31.
Variant type: single nucleotide variant.
Coding change: c.413A>G on transcript NM_021922.3 (MANE Select); coding-DNA position 413, A replaced by G.
Protein change: p.Glu138Gly; replaces glutamic acid 138 with glycine.
Molecular consequence: missense variant.
Genome position (GRCh38, 1-based): chr6:35,455,911, A>G. VCF-style: chr6-35455911-A-G. GRCh37 (hg19) VCF-style: chr6-35423688-A-G.
Other names: c.413A>G, p.Glu138Gly (NM_001410876.1); short protein forms E138G.
Identifiers: ClinVar variation 2169411 (VCV002169411.2), dbSNP rs2533658436, ClinGen allele CA363772858.

ClinVar aggregate classification (germline): Uncertain significance (1 of 4 stars; one submission).

Conditions:
Fanconi anemia complementation group E (FANCE). Also called: FANCE-Related Fanconi Anemia. Identifiers: Orphanet 84, MedGen C3160739, MONDO:0010953, OMIM 600901.

Submission:

Labcorp Genetics (formerly Invitae), Labcorp
Classification: Uncertain significance for Fanconi anemia complementation group E. Last evaluated: 2022-05-21. Review status: criteria provided, single submitter. Criteria: Invitae Variant Classification Sherloc (09022015). Collection method: clinical testing. Allele origin: germline.
Comment: This variant is not present in population databases (gnomAD no frequency). This sequence change replaces glutamic acid, which is acidic and polar, with glycine, which is neutral and non-polar, at codon 138 of the FANCE protein (p.Glu138Gly). In summary, the available evidence is currently insufficient to determine the role of this variant in disease. Therefore, it has been classified as a Variant of Uncertain Significance. Algorithms developed to predict the effect of missense changes on protein structure and function (SIFT, PolyPhen-2, Align-GVGD) all suggest that this variant is likely to be tolerated. This variant has not been reported in the literature in individuals affected with FANCE-related conditions.